The following is an entry in ClinVar:

NM_006392.4(NOP56):c.1777G>T (p.Glu593Ter)

Gene: NOP56 (NOP56 ribonucleoprotein; plus strand). Cytogenetic location: 20p13.
Variant type: single nucleotide variant.
Coding change: c.1777G>T on transcript NM_006392.4 (MANE Select); coding-DNA position 1777, G replaced by T.
Protein change: p.Glu593Ter; replaces glutamic acid 593 with a stop codon.
Molecular consequence: nonsense. On other transcripts: non-coding transcript variant (2).
Genome position (GRCh38, 1-based): chr20:2,658,286, G>T. VCF-style: chr20-2658286-G-T. GRCh37 (hg19) VCF-style: chr20-2638932-G-T.
Other names: short protein forms E593*.
Identifiers: ClinVar variation 2652153 (VCV002652153.24), dbSNP rs151092895, ClinGen allele CA9734950.

ClinVar aggregate classification (germline): Likely benign (1 of 4 stars; one submission).

Allele frequency attached by ClinVar (database versions not stated): gnomAD 0.00021; TOPMed 0.00036; ExAC 0.00066; 1000 Genomes Project 0.00140; 1000 Genomes Project 30x 0.00141.

Submission:

CeGaT Center for Human Genetics Tuebingen
Classification: Likely benign. Last evaluated: 2022-06-01. Review status: criteria provided, single submitter. Criteria: CeGaT Center For Human Genetics Tuebingen Variant Classification Criteria Version 2. Collection method: clinical testing. Allele origin: germline. Affected: yes. Observed: 1 variant allele.
Comment: NOP56: BS1